The following is an entry in ClinVar:

ClinVar aggregate classification (somatic clinical impact): Tier I - Strong (1 of 4 stars; one submission).

Conditions:
Embryonal rhabdomyosarcoma (ERMS). Also called: Botryoid rhabdomyosarcoma (type of ERMS); Spindle cell rhabdomyosarcomas (type of ERMS). Identifiers: Orphanet 99757, MedGen C0206656, MONDO:0009993, HP:0006743.

Submission:

Institute for Genomic Medicine (IGM) Clinical Laboratory, Nationwide Children's Hospital
Classification: Tier I - Strong for Embryonal rhabdomyosarcoma. Assertion type: diagnostic. Clinical significance: supports diagnosis. Last evaluated: 2025-02-06. Review status: criteria provided, single submitter. Criteria: AMP/ASCO/CAP Guidelines, 2017. Collection method: clinical testing. Allele origin: somatic. Affected: yes.
Comment: Variant has Tier I (strong) clinical significance as a diagnostic inclusion criterion in embryonal rhabdomyosarcoma, based on the following evidence: 1) Documented in one or more cancer databases (e.g., St. Jude Pecan, COSMIC, CIViC, OncoKB). 2) Appears in one or more well-established professional guidelines (e.g., World Health Organization [WHO]; National Comprehensive Cancer Network [NCCN]) as providing diagnostic, prognostic, or therapeutic information. 3) Information in the literature supports potential biologic effect of variant. 4) Diagnostic for a specific tumor type/classification based on well-powered studies with expert-level consensus (Evidence Level B).

NM_213647.3(FGFR4):c.1648G>C (p.Val550Leu)

Gene: FGFR4 (fibroblast growth factor receptor 4; plus strand). Cytogenetic location: 5q35.2.
Variant type: single nucleotide variant.
Coding change: c.1648G>C on transcript NM_213647.3 (MANE Select); coding-DNA position 1648, G replaced by C.
Protein change: p.Val550Leu; replaces valine 550 with leucine.
Molecular consequence: missense variant.
Genome position (GRCh38, 1-based): chr5:177,095,550, G>C. VCF-style: chr5-177095550-G-C. GRCh37 (hg19) VCF-style: chr5-176522551-G-C.
Other names: c.1444G>C, p.Val482Leu (NM_001291980.2); c.1648G>C, p.Val550Leu (NM_001354984.2, NM_002011.5); c.1528G>C, p.Val510Leu (NM_022963.3); short protein forms V482L, V510L, V550L.
Identifiers: ClinVar variation 4530232 (VCV004530232.1).
Genomic context (GRCh38, chr5:177,095,550, plus strand): 5'-AAGCTTTGGCAGCCTCTCCACGCTCCCTCCACTCCCTCTGCAGGGCCCCTGTACGTGATC[G>C]TGGAGTGCGCCGCCAAGGGAAACCTGCGGGAGTTCCTGCGGGCCCGGCGCCCCCCAGGCC-3'
Protein context (NP_998812.1, residues 540-560): CTQEGPLYVI[Val550Leu]ECAAKGNLRE